The following is an entry in ClinVar:

NM_005228.5(EGFR):c.3147C>A (p.Cys1049Ter)

Gene: EGFR (epidermal growth factor receptor; plus strand). Cytogenetic location: 7p11.2.
Variant type: single nucleotide variant.
Coding change: c.3147C>A on transcript NM_005228.5 (MANE Select); coding-DNA position 3147, C replaced by A.
Protein change: p.Cys1049Ter; replaces cysteine 1049 with a stop codon.
Molecular consequence: nonsense.
Genome position (GRCh38, 1-based): chr7:55,201,767, C>A. VCF-style: chr7-55201767-C-A. GRCh37 (hg19) VCF-style: chr7-55269460-C-A.
Other names: c.3012C>A, p.Cys1004Ter (NM_001346897.2, NM_001346899.2); c.3147C>A, p.Cys1049Ter (NM_001346898.2); c.2988C>A, p.Cys996Ter (NM_001346900.2); c.2346C>A, p.Cys782Ter (NM_001346941.2); short protein forms C1004*, C782*, C996*, C1049*.
Identifiers: ClinVar variation 971184 (VCV000971184.7), dbSNP rs1787859607, ClinGen allele CA367582987.
Genomic context (GRCh38, chr7:55,201,767, plus strand): 5'-ATGGGCAACTTCTCTGTTTCTTTTTCAGAGTGCAACCAGCAACAATTCCACCGTGGCTTG[C>A]ATTGATAGAAATGGGGTATGTATGAACACCTTATAAGCCAGAATTTACAGCTCTCCACTA-3'

ClinVar aggregate classification (germline): Pathogenic (1 of 4 stars; one submission).

Conditions:
EGFR-related lung cancer (EGFR). Identifiers: MedGen CN130014.

Submission:

Labcorp Genetics (formerly Invitae), Labcorp
Classification: Pathogenic for EGFR-related lung cancer. Last evaluated: 2021-09-27. Review status: criteria provided, single submitter. Criteria: Invitae Variant Classification Sherloc (09022015). Collection method: clinical testing. Allele origin: germline.
Comment: For these reasons, this variant has been classified as Pathogenic. ClinVar contains an entry for this variant (Variation ID: 971184). This variant has not been reported in the literature in individuals affected with EGFR-related conditions. This variant is not present in population databases (ExAC no frequency). This sequence change creates a premature translational stop signal (p.Cys1049*) in the EGFR gene. It is expected to result in an absent or disrupted protein product. Loss-of-function variants in EGFR are known to be pathogenic (PMID: 7630400, 28726809, 29899996).

Literature cited by the submitters: PubMed 7630400; PubMed 28726809; PubMed 29899996.